The following is an entry in ClinVar:

NM_014159.7(SETD2):c.3112T>A (p.Tyr1038Asn)

Gene: SETD2 (SET domain containing 2, histone lysine methyltransferase; minus strand). Cytogenetic location: 3p21.31.
Variant type: single nucleotide variant.
Coding change: c.3112T>A on transcript NM_014159.7 (MANE Select); coding-DNA position 3112, T replaced by A.
Protein change: p.Tyr1038Asn; replaces tyrosine 1038 with asparagine.
Molecular consequence: missense variant. On other transcripts: non-coding transcript variant (1).
Genome position (GRCh38, 1-based): chr3:47,121,524, A>T on the plus strand (T>A on the coding strand, the complement: SETD2 is on the minus strand). VCF-style: chr3-47121524-A-T. GRCh37 (hg19) VCF-style: chr3-47163014-A-T.
Other names: c.2980T>A, p.Tyr994Asn (NM_001349370.3); short protein forms Y1038N, Y994N.
Identifiers: ClinVar variation 3906543 (VCV003906543.1).
Genomic context (GRCh38, chr3:47,121,524, plus strand): 5'-CATCCGAATCTGTATCTTCTGAATCACTTTCATCATTTGAACTTTCAGAAGAGCCAGAAT[A>T]ATCTTCATGAACTGTAGACACAATTTCTGGGGCATGACCACTACTGTCACACTTTAATGC-3'
Protein context (NP_054878.5, residues 1028-1048): PEIVSTVHED[Tyr1038Asn]SGSSESSNDE

ClinVar aggregate classification (germline): Uncertain significance (1 of 4 stars; one submission).

Submission:

GeneDx
Classification: Uncertain significance. Last evaluated: 2024-12-12. Review status: criteria provided, single submitter. Criteria: GeneDx Variant Classification Process June 2021. Collection method: clinical testing. Allele origin: germline. Affected: yes.
Comment: Not observed at significant frequency in large population cohorts (gnomAD); In silico analysis supports that this missense variant has a deleterious effect on protein structure/function; Has not been previously published as pathogenic or benign to our knowledge